The following is an entry in ClinVar:

NM_000155.4(GALT):c.737G>A (p.Trp246Ter)

Gene: GALT (galactose-1-phosphate uridylyltransferase; plus strand). Cytogenetic location: 9p13.3.
Variant type: single nucleotide variant.
Coding change: c.737G>A on transcript NM_000155.4 (MANE Select); coding-DNA position 737, G replaced by A.
Protein change: p.Trp246Ter; replaces tryptophan 246 with a stop codon.
Molecular consequence: nonsense.
Genome position (GRCh38, 1-based): chr9:34,648,811, G>A. VCF-style: chr9-34648811-G-A. GRCh37 (hg19) VCF-style: chr9-34648808-G-A.
Other names: c.410G>A, p.Trp137Ter (NM_001258332.2); short protein forms W137*, W246*.
Identifiers: ClinVar variation 983985 (VCV000983985.10), dbSNP rs1821176206, ClinGen allele CA373283666.
Genomic context (GRCh38, chr9:34,648,811, plus strand): 5'-TGTCTTCCTAGGAACGTCTGGTCCTAACCAGTGAGCACTGGTTAGTACTGGTCCCCTTCT[G>A]GGCAACATGGCCCTACCAGACACTGCTGCTGCCCCGTCGGCATGTGCGGCGGCTACCTGA-3'

ClinVar aggregate classification (germline): Pathogenic/Likely pathogenic. Review status: criteria provided, multiple submitters, no conflicts (2 of 4 stars). 2 submissions from 2 submitters: Pathogenic (1); Likely pathogenic (1). Last evaluated 2020-09-16.

Conditions:
Deficiency of UDPglucose-hexose-1-phosphate uridylyltransferase. Also called: GALACTOSEMIA I; GALACTOSE-1-PHOSPHATE URIDYLYLTRANSFERASE DEFICIENCY; GALT deficiency; Galactosemia, classic; Transferase Deficiency Galactosemia. Identifiers: Orphanet 352, Orphanet 79239, MedGen C0268151, MONDO:0009258, OMIM 230400.

Submissions (2):

Labcorp Genetics (formerly Invitae), Labcorp
Classification: Pathogenic for Deficiency of UDPglucose-hexose-1-phosphate uridylyltransferase. Last evaluated: 2020-09-16. Review status: criteria provided, single submitter. Criteria: Invitae Variant Classification Sherloc (09022015). Collection method: clinical testing. Allele origin: germline.
Comment: This variant is not present in population databases (ExAC no frequency). This sequence change creates a premature translational stop signal (p.Trp246*) in the GALT gene. It is expected to result in an absent or disrupted protein product. This variant has not been reported in the literature in individuals with GALT-related conditions. For these reasons, this variant has been classified as Pathogenic. Loss-of-function variants in GALT are known to be pathogenic (PMID: 22944367). Algorithms developed to predict the effect of sequence changes on RNA splicing suggest that this variant may create or strengthen a splice site, but this prediction has not been confirmed by published transcriptional studies.

Myriad Genetics, Inc.
Classification: Likely pathogenic for Deficiency of UDPglucose-hexose-1-phosphate uridylyltransferase. Last evaluated: 2019-12-25. Review status: criteria provided, single submitter. Criteria: Myriad Women's Health Autosomal Recessive and X-Linked Classification Criteria (2019). Collection method: clinical testing. Allele origin: unknown.
Comment: NM_000155.3(GALT):c.737G>A(W246*) is expected to be pathogenic in the context of galactosemia. This variant is predicted to lead to an abnormal or absent protein product due to the creation of a premature termination codon in GALT, a gene where loss-of-function variants are known to be pathogenic. Please note: this variant was assessed in the context of healthy population screening.

Literature cited by the submitters: PubMed 22944367 (cited by Labcorp Genetics (formerly Invitae), Labcorp).